The following is an entry in ClinVar:

NM_001382241.1(TNPO2):c.295G>A (p.Asp99Asn)

Gene: TNPO2 (transportin 2; minus strand). Cytogenetic location: 19p13.13.
Variant type: single nucleotide variant.
Coding change: c.295G>A on transcript NM_001382241.1 (MANE Select); coding-DNA position 295, G replaced by A.
Protein change: p.Asp99Asn; replaces aspartic acid 99 with asparagine.
Molecular consequence: missense variant. On other transcripts: non-coding transcript variant (6).
Genome position (GRCh38, 1-based): chr19:12,719,059, C>T on the plus strand (G>A on the coding strand, the complement: TNPO2 is on the minus strand). VCF-style: chr19-12719059-C-T. GRCh37 (hg19) VCF-style: chr19-12829873-C-T.
Other names: c.295G>A, p.Asp99Asn (NM_001382238.1, NM_001382239.1, NM_001382240.1 and 7 more transcripts); short protein forms D99N.
Identifiers: ClinVar variation 3777678 (VCV003777678.2).

ClinVar aggregate classification (germline): Uncertain significance (1 of 4 stars; one submission).

gnomAD v4.1: 1 of 1,613,930 alleles (0.000062%); no homozygotes.

Submission:

GeneDx
Classification: Uncertain significance. Last evaluated: 2026-07-24. Review status: criteria provided, single submitter. Criteria: GeneDx Variant Classification Process June 2021. Collection method: clinical testing. Allele origin: germline.
Comment: Not observed at significant frequency in large population cohorts (gnomAD); In silico analysis supports that this missense variant has a deleterious effect on protein structure/function; Has not been previously published as pathogenic or benign to our knowledge